The following is an entry in ClinVar:

NM_032607.3(CREB3L3):c.1108C>T (p.Arg370Cys)

Gene: CREB3L3 (cAMP responsive element binding protein 3 like 3; plus strand). Cytogenetic location: 19p13.3.
Variant type: single nucleotide variant.
Coding change: c.1108C>T on transcript NM_032607.3 (MANE Select); coding-DNA position 1108, C replaced by T.
Protein change: p.Arg370Cys; replaces arginine 370 with cysteine.
Molecular consequence: missense variant.
Genome position (GRCh38, 1-based): chr19:4,171,691, C>T. VCF-style: chr19-4171691-C-T. GRCh37 (hg19) VCF-style: chr19-4171688-C-T.
Other names: c.1105C>T, p.Arg369Cys (NM_001271995.2); c.1102C>T, p.Arg368Cys (NM_001271996.2); c.1001C>T, p.Pro334Leu (NM_001271997.2); short protein forms R369C, R368C, R370C, P334L.
Identifiers: ClinVar variation 2971094 (VCV002971094.3), dbSNP rs769400833, ClinGen allele CA9091621.

ClinVar aggregate classification (germline): Uncertain significance (1 of 4 stars; one submission).

Allele frequency attached by ClinVar (database versions not stated): gnomAD 0.00001; gnomAD exomes 0.00002; TOPMed 0.00003; ExAC 0.00006.
gnomAD v4.1: 36 of 1,613,188 alleles (0.0022%); highest among the groups gnomAD compares: Admixed American, 0.027%; 1 homozygote.

Submission:

Labcorp Genetics (formerly Invitae), Labcorp
Classification: Uncertain significance. Last evaluated: 2023-04-09. Review status: criteria provided, single submitter. Criteria: Invitae Variant Classification Sherloc (09022015). Collection method: clinical testing. Allele origin: germline.
Comment: Advanced modeling of protein sequence and biophysical properties (such as structural, functional, and spatial information, amino acid conservation, physicochemical variation, residue mobility, and thermodynamic stability) performed at Invitae indicates that this missense variant is expected to disrupt CREB3L3 protein function. In summary, the available evidence is currently insufficient to determine the role of this variant in disease. Therefore, it has been classified as a Variant of Uncertain Significance. This variant has not been reported in the literature in individuals affected with CREB3L3-related conditions. This variant is present in population databases (rs769400833, gnomAD 0.03%), and has an allele count higher than expected for a pathogenic variant. This sequence change replaces arginine, which is basic and polar, with cysteine, which is neutral and slightly polar, at codon 370 of the CREB3L3 protein (p.Arg370Cys).